The following is an entry in ClinVar:

ClinVar aggregate classification (germline): Uncertain significance. Review status: criteria provided, multiple submitters, no conflicts (2 of 4 stars). 3 submissions from 3 submitters: Uncertain significance (3). Last evaluated 2023-11-20.

Conditions:
Tuberous sclerosis syndrome (TSC). Also called: Tuberous sclerosis; Tuberous Sclerosis Complex. Identifiers: Orphanet 805, MedGen C0041341, MONDO:0001734.
Tuberous sclerosis 2 (TSC2). Identifiers: Orphanet 805, MedGen C1860707, MONDO:0013199, OMIM 613254.
Hereditary cancer-predisposing syndrome. Also called: Neoplastic Syndromes, Hereditary; Hereditary Cancer Syndrome; Tumor predisposition; Hereditary neoplastic syndrome. Identifiers: Orphanet 140162, MedGen C0027672, MeSH D009386, MONDO:0015356.

Allele frequency attached by ClinVar (database versions not stated): gnomAD exomes below 0.00001.

Submissions (3):

All of Us Research Program, National Institutes of Health
Classification: Uncertain significance for Tuberous sclerosis syndrome. Last evaluated: 2023-11-20. Review status: criteria provided, single submitter. Criteria: ACMG Guidelines, 2015. Collection method: clinical testing. Allele origin: germline. Inheritance: Autosomal dominant inheritance. Observed: 1 variant allele, 1 heterozygote.
Comment: This missense variant replaces isoleucine with serine at codon 17 of the TSC2 protein. Computational prediction suggests that this variant may not impact protein structure and function (internally defined REVEL score threshold <= 0.5, PMID: 27666373). To our knowledge, functional studies have not been reported for this variant. This variant has not been reported in individuals affected with TSC2-related disorders in the literature. This variant has not been identified in the general population by the Genome Aggregation Database (gnomAD). The available evidence is insufficient to determine the role of this variant in disease conclusively. Therefore, this variant is classified as a Variant of Uncertain Significance.

This study involves interpretation of variants in research participants for the purpose of population health screening. Participant phenotype was not available at the time of variant classification. Additional details can be found in publication PMID: 35346344, PMCID: PMC8962531

Labcorp Genetics (formerly Invitae), Labcorp
Classification: Uncertain significance for Tuberous sclerosis 2. Last evaluated: 2023-07-25. Review status: criteria provided, single submitter. Criteria: Invitae Variant Classification Sherloc (09022015). Collection method: clinical testing. Allele origin: germline.
Comment: This sequence change replaces isoleucine, which is neutral and non-polar, with serine, which is neutral and polar, at codon 17 of the TSC2 protein (p.Ile17Ser). In summary, the available evidence is currently insufficient to determine the role of this variant in disease. Therefore, it has been classified as a Variant of Uncertain Significance. Advanced modeling of protein sequence and biophysical properties (such as structural, functional, and spatial information, amino acid conservation, physicochemical variation, residue mobility, and thermodynamic stability) performed at Invitae indicates that this missense variant is not expected to disrupt TSC2 protein function. ClinVar contains an entry for this variant (Variation ID: 2564650). This variant has not been reported in the literature in individuals affected with TSC2-related conditions. This variant is not present in population databases (gnomAD no frequency).

Ambry Genetics
Classification: Uncertain significance for Hereditary cancer-predisposing syndrome. Last evaluated: 2023-04-18. Review status: criteria provided, single submitter. Criteria: Ambry Variant Classification Scheme 2023. Collection method: clinical testing. Allele origin: germline.
Comment: The p.I17S variant (also known as c.50T>G), located in coding exon 1 of the TSC2 gene, results from a T to G substitution at nucleotide position 50. The isoleucine at codon 17 is replaced by serine, an amino acid with dissimilar properties. This amino acid position is conserved. In addition, this alteration is predicted to be tolerated by in silico analysis. Since supporting evidence is limited at this time, the clinical significance of this alteration remains unclear.

NM_000548.5(TSC2):c.50T>G (p.Ile17Ser)

Gene: TSC2 (TSC complex subunit 2; plus strand). Cytogenetic location: 16p13.3.
Variant type: single nucleotide variant.
Coding change: c.50T>G on transcript NM_000548.5 (MANE Select); coding-DNA position 50, T replaced by G.
Protein change: p.Ile17Ser; replaces isoleucine 17 with serine.
Molecular consequence: missense variant. On other transcripts: intron variant (6), 5 prime UTR variant (19), non-coding transcript variant (5).
Genome position (GRCh38, 1-based): chr16:2,048,665, T>G. VCF-style: chr16-2048665-T-G. GRCh37 (hg19) VCF-style: chr16-2098666-T-G.
Other names: c.50T>G, p.Ile17Ser (NM_001077183.3, NM_001114382.3, NM_001318827.2 and 13 more transcripts); c.-10+600T>G (NM_001406675.1, NM_001406676.1, NM_001318829.2 and 2 more transcripts); c.-89+600T>G (NM_001406686.1); c.-177T>G (NM_001318831.2, NM_001406682.1, NM_001406684.1 and 2 more transcripts); c.83T>G, p.Ile28Ser (NM_001318832.2); c.-396T>G (NM_001406681.1); c.-767T>G (NM_001406683.1, NM_001406687.1, NM_001406680.1); c.-1382T>G (NM_001406689.1, NM_001406690.1, NM_001406691.1 and 2 more transcripts); and 4 more; short protein forms I17S, I28S.
Identifiers: ClinVar variation 2564650 (VCV002564650.6), dbSNP rs2548349184, ClinGen allele CA394301043.
Genomic context (GRCh38, chr16:2,048,665, plus strand): 5'-CCTGGTCCACCATGGCCAAACCAACAAGCAAAGATTCAGGCTTGAAGGAGAAGTTTAAGA[T>G]TCTGTTGGGACTGGGAACACCGAGGCCAAATCCCAGGTCTGCAGAGGGTAAACAGACGGA-3'
Protein context (NP_000539.2, residues 7-27): KDSGLKEKFK[Ile17Ser]LLGLGTPRPN